The following is an entry in ClinVar:

NM_033026.6(PCLO):c.248+4T>C

Gene: PCLO (piccolo presynaptic cytomatrix protein; minus strand). Cytogenetic location: 7q21.11.
Variant type: single nucleotide variant.
Coding change: c.248+4T>C on transcript NM_033026.6 (MANE Select); 4 bases into the intron after coding-DNA position 248, T replaced by C.
Molecular consequence: intron variant.
Genome position (GRCh38, 1-based): chr7:83,162,341, A>G on the plus strand (T>C on the coding strand, the complement: PCLO is on the minus strand). VCF-style: chr7-83162341-A-G. GRCh37 (hg19) VCF-style: chr7-82791657-A-G.
Other names: c.248+4T>C (NM_014510.3).
Identifiers: ClinVar variation 1426957 (VCV001426957.1), dbSNP rs2116713352, ClinGen allele CA2573142517.

ClinVar aggregate classification (germline): Uncertain significance (1 of 4 stars; one submission).

Allele frequency attached by ClinVar (database versions not stated): gnomAD exomes below 0.00001.
gnomAD v4.1: 1 of 1,595,868 alleles (0.000063%); highest among the groups gnomAD compares: Non-Finnish European, 0.000085%; no homozygotes.

Submission:

Labcorp Genetics (formerly Invitae), Labcorp
Classification: Uncertain significance. Last evaluated: 2021-02-03. Review status: criteria provided, single submitter. Criteria: Invitae Variant Classification Sherloc (09022015). Collection method: clinical testing. Allele origin: germline.
Comment: This sequence change falls in intron 1 of the PCLO gene. It does not directly change the encoded amino acid sequence of the PCLO protein. It affects a nucleotide within the consensus splice site of the intron. This variant is not present in population databases (ExAC no frequency). This variant has not been reported in the literature in individuals with PCLO-related conditions. Nucleotide substitutions within the consensus splice site are a relatively common cause of aberrant splicing (PMID: 17576681, 9536098). Algorithms developed to predict the effect of sequence changes on RNA splicing suggest that this variant is not likely to affect RNA splicing, but this prediction has not been confirmed by published transcriptional studies. In summary, the available evidence is currently insufficient to determine the role of this variant in disease. Therefore, it has been classified as a Variant of Uncertain Significance.

Literature cited by the submitters: PubMed 17576681; PubMed 9536098.